The following is an entry in ClinVar:

ClinVar aggregate classification (germline): Uncertain significance. Review status: criteria provided, multiple submitters, no conflicts (2 of 4 stars). 2 submissions from 2 submitters: Uncertain significance (2). Last evaluated 2025-04-12.

Conditions:
Familial cold autoinflammatory syndrome 3 (FCAS3). Also called: ANTIBODY DEFICIENCY AND IMMUNE DYSREGULATION, PLCG2-ASSOCIATED; FAMILIAL ATYPICAL COLD URTICARIA. Identifiers: Orphanet 300359, MedGen C3280914, MONDO:0013766, OMIM 614468.
Inborn genetic diseases. Identifiers: MedGen C0950123, MeSH D030342.

Allele frequency attached by ClinVar (database versions not stated): gnomAD exomes 0.00001.
gnomAD v4.1: 10 of 1,611,646 alleles (0.00062%); highest among the groups gnomAD compares: Non-Finnish European, 0.00076%; no homozygotes.

Submissions (2):

Ambry Genetics
Classification: Uncertain significance for Inborn genetic diseases. Last evaluated: 2025-04-12. Review status: criteria provided, single submitter. Criteria: Ambry Variant Classification Scheme 2023. Collection method: clinical testing. Allele origin: germline.

Labcorp Genetics (formerly Invitae), Labcorp
Classification: Uncertain significance for Familial cold autoinflammatory syndrome 3. Last evaluated: 2023-08-30. Review status: criteria provided, single submitter. Criteria: Invitae Variant Classification Sherloc (09022015). Collection method: clinical testing. Allele origin: germline.
Comment: This sequence change replaces leucine, which is neutral and non-polar, with glutamine, which is neutral and polar, at codon 1190 of the PLCG2 protein (p.Leu1190Gln). This variant is present in population databases (no rsID available, gnomAD 0.0009%). An algorithm developed to predict the effect of missense changes on protein structure and function (PolyPhen-2) suggests that this variant is likely to be disruptive. This variant has not been reported in the literature in individuals affected with PLCG2-related conditions. ClinVar contains an entry for this variant (Variation ID: 2001225). In summary, the available evidence is currently insufficient to determine the role of this variant in disease. Therefore, it has been classified as a Variant of Uncertain Significance.

NM_002661.5(PLCG2):c.3569T>A (p.Leu1190Gln)

Gene: PLCG2 (phospholipase C gamma 2; plus strand). Cytogenetic location: 16q23.3.
Variant type: single nucleotide variant.
Coding change: c.3569T>A on transcript NM_002661.5 (MANE Select); coding-DNA position 3569, T replaced by A.
Protein change: p.Leu1190Gln; replaces leucine 1190 with glutamine.
Molecular consequence: missense variant.
Genome position (GRCh38, 1-based): chr16:81,946,262, T>A. VCF-style: chr16-81946262-T-A. GRCh37 (hg19) VCF-style: chr16-81979867-T-A.
Other names: short protein forms L1190Q.
Identifiers: ClinVar variation 2001225 (VCV002001225.5), dbSNP rs1287516481, ClinGen allele CA396909984.